The following is an entry in ClinVar:

ClinVar aggregate classification (germline): Uncertain significance (1 of 4 stars; one submission).

Conditions:
Inborn genetic diseases. Identifiers: MedGen C0950123, MeSH D030342.

Submission:

Ambry Genetics
Classification: Uncertain significance for Inborn genetic diseases. Last evaluated: 2024-12-27. Review status: criteria provided, single submitter. Criteria: Ambry Variant Classification Scheme 2023. Collection method: clinical testing. Allele origin: germline.
Comment: The p.H1179D variant (also known as c.3535C>G), located in coding exon 16 of the MECOM gene, results from a C to G substitution at nucleotide position 3535. The histidine at codon 1179 is replaced by aspartic acid, an amino acid with similar properties. This amino acid position is conserved. In addition, this alteration is predicted to be tolerated by in silico analysis. Based on the available evidence, the clinical significance of this variant remains unclear.

NM_004991.4(MECOM):c.3535C>G (p.His1179Asp)

Gene: MECOM (MDS1 and EVI1 complex locus; minus strand). Cytogenetic location: 3q26.2.
Variant type: single nucleotide variant.
Coding change: c.3535C>G on transcript NM_004991.4 (MANE Select); coding-DNA position 3535, C replaced by G.
Protein change: p.His1179Asp; replaces histidine 1179 with aspartic acid.
Molecular consequence: missense variant.
Genome position (GRCh38, 1-based): chr3:169,089,050, G>C on the plus strand (C>G on the coding strand, the complement: MECOM is on the minus strand). VCF-style: chr3-169089050-G-C. GRCh37 (hg19) VCF-style: chr3-168806838-G-C.
Other names: c.3166C>G, p.His1056Asp (NM_001105077.4); c.2971C>G, p.His991Asp (NM_001105078.4, NM_001205194.2, NM_001366469.2 and 1 more transcripts); c.2947C>G, p.His983Asp (NM_001163999.2, NM_001366470.2); c.2944C>G, p.His982Asp (NM_001164000.2, NM_001366471.2, NM_001366472.2); c.3508C>G, p.His1170Asp (NM_001366466.2); c.2974C>G, p.His992Asp (NM_001366467.2, NM_001366468.2); c.2536C>G, p.His846Asp (NM_001366473.2); c.1972C>G, p.His658Asp (NM_001366474.2); short protein forms H1170D, H846D, H1179D, H982D, H983D, H991D, H1056D, H658D.
Identifiers: ClinVar variation 3871643 (VCV003871643.1).